The following is an entry in ClinVar:

ClinVar aggregate classification (germline): Likely pathogenic. Review status: criteria provided, multiple submitters, no conflicts (2 of 4 stars). 2 submissions from 2 submitters: Likely pathogenic (2). Last evaluated 2024-03-08.

Conditions:
Polycystic kidney disease 2 (PKD2). Also called: Polycystic Kidney Disease 2, Autosomal Dominant; POLYCYSTIC KIDNEY DISEASE, ADULT, TYPE II; POLYCYSTIC KIDNEY DISEASE 2 WITH OR WITHOUT POLYCYSTIC LIVER DISEASE. Identifiers: MedGen C2751306, MONDO:0013131, OMIM 613095.

Submissions (2):

Fulgent Genetics
Classification: Likely pathogenic for Polycystic kidney disease 2. Last evaluated: 2024-03-08. Review status: criteria provided, single submitter. Criteria: ACMG Guidelines, 2015. Collection method: clinical testing. Allele origin: germline.

GeneDx
Classification: Likely pathogenic. Last evaluated: 2022-02-25. Review status: criteria provided, single submitter. Criteria: GeneDx Variant Classification Process June 2021. Collection method: clinical testing. Allele origin: germline. Affected: yes.
Comment: Not observed at significant frequency in large population cohorts (gnomAD); In silico analysis supports that this missense variant has a deleterious effect on protein structure/function; This variant is associated with the following publications: (PMID: 32457805)

NM_000297.4(PKD2):c.992G>A (p.Cys331Tyr)

Gene: PKD2 (polycystin 2, transient receptor potential cation channel; plus strand). Cytogenetic location: 4q22.1.
Variant type: single nucleotide variant.
Coding change: c.992G>A on transcript NM_000297.4 (MANE Select); coding-DNA position 992, G replaced by A.
Protein change: p.Cys331Tyr; replaces cysteine 331 with tyrosine.
Molecular consequence: missense variant. On other transcripts: non-coding transcript variant (1).
Genome position (GRCh38, 1-based): chr4:88,038,399, G>A. VCF-style: chr4-88038399-G-A. GRCh37 (hg19) VCF-style: chr4-88959551-G-A.
Other names: short protein forms C331Y.
Identifiers: ClinVar variation 1700726 (VCV001700726.4), dbSNP rs1578130536, ClinGen allele CA357632908.